The following is an entry in ClinVar:

NM_015001.3(SPEN):c.4579G>T (p.Ala1527Ser)

Gene: SPEN (spen family transcriptional repressor; plus strand). Cytogenetic location: 1p36.13.
Variant type: single nucleotide variant.
Coding change: c.4579G>T on transcript NM_015001.3 (MANE Select); coding-DNA position 4579, G replaced by T.
Protein change: p.Ala1527Ser; replaces alanine 1527 with serine.
Molecular consequence: missense variant.
Genome position (GRCh38, 1-based): chr1:15,930,819, G>T. VCF-style: chr1-15930819-G-T. GRCh37 (hg19) VCF-style: chr1-16257314-G-T.
Other names: short protein forms A1527S.
Identifiers: ClinVar variation 4819411 (VCV004819411.1).

ClinVar aggregate classification (germline): Likely benign (1 of 4 stars; one submission).

Conditions:
Radio-Tartaglia syndrome. Identifiers: Orphanet 662234, MedGen C5543339, MONDO:0859143, OMIM 619312.

Submission:

Centre for Medical Genetics,  Mumbai
Classification: Likely benign for Radio-Tartaglia syndrome. Last evaluated: 2026-03-09. Review status: criteria provided, single submitter. Criteria: ACMG Guidelines, 2015. Collection method: provider interpretation. Allele origin: germline. Inheritance: Autosomal dominant inheritance. Affected: no. Observed: 1 variant allele, 1 heterozygote.
Comment: The variant satisfies PM2 criteria; Extremely low frequency in gnomAD population databases. However, the variant satisfies BS2 criteria; present in heterozygous state in an individual that clinically does not have Radio-Tartaglia syndrome.

Literature cited by the submitters: PubMed 33596411.